The following is an entry in ClinVar:

NM_001206927.2(DNAH8):c.4906G>T (p.Glu1636Ter)

Gene: DNAH8 (dynein axonemal heavy chain 8; plus strand). Cytogenetic location: 6p21.2.
Variant type: single nucleotide variant.
Coding change: c.4906G>T on transcript NM_001206927.2 (MANE Select); coding-DNA position 4906, G replaced by T.
Protein change: p.Glu1636Ter; replaces glutamic acid 1636 with a stop codon.
Molecular consequence: nonsense.
Genome position (GRCh38, 1-based): chr6:38,845,634, G>T. VCF-style: chr6-38845634-G-T. GRCh37 (hg19) VCF-style: chr6-38813410-G-T.
Other names: c.4255G>T, p.Glu1419Ter (NM_001371.4); short protein forms E1419*, E1636*.
Identifiers: ClinVar variation 2881116 (VCV002881116.3), dbSNP rs1775234077, ClinGen allele CA364006581.

ClinVar aggregate classification (germline): Pathogenic (1 of 4 stars; one submission).

Conditions:
Primary ciliary dyskinesia. Also called: Ciliary dyskinesia. Identifiers: Orphanet 244, MedGen C0008780, MONDO:0016575, HP:0012265.

Allele frequency attached by ClinVar (database versions not stated): TOPMed 0.00001.

Submission:

Labcorp Genetics (formerly Invitae), Labcorp
Classification: Pathogenic for Primary ciliary dyskinesia. Last evaluated: 2023-11-18. Review status: criteria provided, single submitter. Criteria: Invitae Variant Classification Sherloc (09022015). Collection method: clinical testing. Allele origin: germline.
Comment: This sequence change creates a premature translational stop signal (p.Glu1636*) in the DNAH8 gene. It is expected to result in an absent or disrupted protein product. Loss-of-function variants in DNAH8 are known to be pathogenic (PMID: 24307375, 32619401, 32681648). This variant is not present in population databases (gnomAD no frequency). This variant has not been reported in the literature in individuals affected with DNAH8-related conditions. Algorithms developed to predict the effect of sequence changes on RNA splicing suggest that this variant may disrupt the consensus splice site. For these reasons, this variant has been classified as Pathogenic.

Literature cited by the submitters: PubMed 24307375; PubMed 32619401; PubMed 32681648.